The following is an entry in ClinVar:

NM_000057.4(BLM):c.3902T>C (p.Leu1301Pro)

Gene: BLM (BLM RecQ like helicase; plus strand). Cytogenetic location: 15q26.1.
Variant type: single nucleotide variant.
Coding change: c.3902T>C on transcript NM_000057.4 (MANE Select); coding-DNA position 3902, T replaced by C.
Protein change: p.Leu1301Pro; replaces leucine 1301 with proline.
Molecular consequence: missense variant.
Genome position (GRCh38, 1-based): chr15:90,811,232, T>C. VCF-style: chr15-90811232-T-C. GRCh37 (hg19) VCF-style: chr15-91354462-T-C.
Other names: c.3902T>C, p.Leu1301Pro (NM_001287246.2); c.3509T>C, p.Leu1170Pro (NM_001287247.2); c.2777T>C, p.Leu926Pro (NM_001287248.2); short protein forms L1301P, L926P, L1170P.
Identifiers: ClinVar variation 3686399 (VCV003686399.2).

ClinVar aggregate classification (germline): Uncertain significance (1 of 4 stars; one submission).

Conditions:
Bloom syndrome (BLM). Also called: Bloom-Torre-Machacek syndrome. Identifiers: Orphanet 125, MedGen C0005859, MONDO:0008876, OMIM 210900.

Submission:

Labcorp Genetics (formerly Invitae), Labcorp
Classification: Uncertain significance for Bloom syndrome. Last evaluated: 2024-08-08. Review status: criteria provided, single submitter. Criteria: Invitae Variant Classification Sherloc (09022015). Collection method: clinical testing. Allele origin: germline.
Comment: This sequence change replaces leucine, which is neutral and non-polar, with proline, which is neutral and non-polar, at codon 1301 of the BLM protein (p.Leu1301Pro). This variant is not present in population databases (gnomAD no frequency). This variant has not been reported in the literature in individuals affected with BLM-related conditions. Advanced modeling of protein sequence and biophysical properties (such as structural, functional, and spatial information, amino acid conservation, physicochemical variation, residue mobility, and thermodynamic stability) performed at Invitae indicates that this missense variant is not expected to disrupt BLM protein function with a negative predictive value of 80%. In summary, the available evidence is currently insufficient to determine the role of this variant in disease. Therefore, it has been classified as a Variant of Uncertain Significance.